The following is an entry in ClinVar:

NM_004444.5(EPHB4):c.1609C>T (p.Gln537Ter)

Gene: EPHB4 (EPH receptor B4; minus strand). Cytogenetic location: 7q22.1.
Variant type: single nucleotide variant.
Coding change: c.1609C>T on transcript NM_004444.5 (MANE Select); coding-DNA position 1609, C replaced by T.
Protein change: p.Gln537Ter; replaces glutamine 537 with a stop codon.
Molecular consequence: nonsense.
Genome position (GRCh38, 1-based): chr7:100,814,001, G>A on the plus strand (C>T on the coding strand, the complement: EPHB4 is on the minus strand). VCF-style: chr7-100814001-G-A. GRCh37 (hg19) VCF-style: chr7-100411623-G-A.
Other names: c.1609C>T (NM_004444.4); short protein forms Q537*.
Identifiers: ClinVar variation 1075755 (VCV001075755.8), dbSNP rs2116435260, ClinGen allele CA368571915.

ClinVar aggregate classification (germline): Pathogenic/Likely pathogenic. Review status: criteria provided, multiple submitters, no conflicts (2 of 4 stars). 3 submissions from 3 submitters: Pathogenic (1); Likely pathogenic (2). Last evaluated 2023-02-01.

Conditions:
EPHB4-related disorder. Also called: EPHB4-related condition; EPHB4-related disorders.

Submissions (3):

PreventionGenetics, part of Exact Sciences
Classification: Likely pathogenic for EPHB4-related condition. Last evaluated: 2023-02-01. Review status: criteria provided, single submitter. Criteria: ACMG Guidelines, 2015. Collection method: clinical testing. Allele origin: germline.
Comment: The EPHB4 c.1609C>T variant is predicted to result in premature protein termination (p.Gln537*). To our knowledge, this variant has not been reported in the literature or a large population database, indicating this variant is rare. Nonsense variants in EPHB4 are expected to be pathogenic. This variant is interpreted as likely pathogenic.

Blueprint Genetics
Classification: Likely pathogenic for EPHB4-related disorders. Last evaluated: 2020-08-28. Review status: criteria provided, single submitter. Criteria: ACMG Guidelines, 2015. Collection method: clinical testing. Allele origin: germline. Affected: yes. Observed: 2 variant alleles.

Labcorp Genetics (formerly Invitae), Labcorp
Classification: Pathogenic. Last evaluated: 2017-12-06. Review status: criteria provided, single submitter. Criteria: Invitae Variant Classification Sherloc (09022015). Collection method: clinical testing. Allele origin: germline.
Comment: This variant is not present in population databases (ExAC no frequency). This variant has not been reported in the literature in individuals with EPHB4-related disease. Loss-of-function variants in EPHB4 are known to be pathogenic (PMID: 28687708). For these reasons, this variant has been classified as Pathogenic. This sequence change creates a premature translational stop signal (p.Gln537*) in the EPHB4 gene. It is expected to result in an absent or disrupted protein product.

Literature cited by the submitters: PubMed 28687708 (cited by Labcorp Genetics (formerly Invitae), Labcorp).